The following is an entry in ClinVar:

ClinVar aggregate classification (germline): Uncertain significance (1 of 4 stars; one submission).

Submission:

Women's Health and Genetics/Laboratory Corporation of America, LabCorp
Classification: Uncertain significance. Last evaluated: 2026-03-04. Review status: criteria provided, single submitter. Criteria: LabCorp Variant Classification Summary - May 2015. Collection method: clinical testing. Allele origin: germline.
Comment: Variant summary: ZNF469 c.7177A>T (p.Met2393Leu) results in a conservative amino acid change in the encoded protein sequence. Algorithms developed to predict the effect of missense changes on protein structure and function all suggest that this variant is likely to be tolerated. The variant was absent in 153642 control chromosomes. The available data on variant occurrences in the general population are insufficient to allow any conclusion about variant significance. To our knowledge, no occurrence of c.7177A>T in individuals affected with ZNF469-related conditions and no experimental evidence demonstrating its impact on protein function have been reported. No submitters have cited clinical-significance assessments for this variant to ClinVar. Based on the evidence outlined above, the variant was classified as uncertain significance.

NM_001367624.2(ZNF469):c.7177A>T (p.Met2393Leu)

Gene: ZNF469 (zinc finger protein 469; plus strand). Cytogenetic location: 16q24.2.
Variant type: single nucleotide variant.
Coding change: c.7177A>T on transcript NM_001367624.2 (MANE Select); coding-DNA position 7177, A replaced by T.
Protein change: p.Met2393Leu; replaces methionine 2393 with leucine.
Molecular consequence: missense variant.
Genome position (GRCh38, 1-based): chr16:88,434,647, A>T. VCF-style: chr16-88434647-A-T. GRCh37 (hg19) VCF-style: chr16-88501055-A-T.
Other names: short protein forms M2393L.
Identifiers: ClinVar variation 4847474 (VCV004847474.1).